The following is an entry in ClinVar:

NM_001148.6(ANK2):c.11465G>T (p.Gly3822Val)

Gene: ANK2 (ankyrin 2; plus strand). Cytogenetic location: 4q26.
Variant type: single nucleotide variant.
Coding change: c.11465G>T on transcript NM_001148.6 (MANE Select); coding-DNA position 11465, G replaced by T.
Protein change: p.Gly3822Val; replaces glycine 3822 with valine.
Molecular consequence: missense variant.
Genome position (GRCh38, 1-based): chr4:113,369,660, G>T. VCF-style: chr4-113369660-G-T. GRCh37 (hg19) VCF-style: chr4-114290816-G-T.
Other names: c.5183G>T, p.Gly1728Val (NM_001127493.3); c.5222G>T, p.Gly1741Val (NM_001354225.2); c.5111G>T, p.Gly1704Val (NM_001354228.2, NM_001354258.2); c.5189G>T, p.Gly1730Val (NM_001354230.2); c.5252G>T, p.Gly1751Val (NM_001354231.2, NM_001354242.2); c.5246G>T, p.Gly1749Val (NM_001354232.2); c.5207G>T, p.Gly1736Val (NM_001354235.2, NM_001354246.2, NM_001354265.2); c.5108G>T, p.Gly1703Val (NM_001354236.2); and 35 more; short protein forms G1576V, G1609V, G1637V, G1642V, G1650V, G1659V, G1662V, G1664V.
Identifiers: ClinVar variation 2446191 (VCV002446191.1), dbSNP rs79577190, ClinGen allele CA357942774.

ClinVar aggregate classification (germline): Uncertain significance (1 of 4 stars; one submission).

gnomAD v4.1: 9 of 1,613,956 alleles (0.00056%); highest among the groups gnomAD compares: Admixed American, 0.0017%; no homozygotes.

Submission:

GeneDx
Classification: Uncertain significance. Last evaluated: 2022-09-25. Review status: criteria provided, single submitter. Criteria: GeneDx Variant Classification Process June 2021. Collection method: clinical testing. Allele origin: germline. Affected: yes.
Comment: Not observed at significant frequency in large population cohorts (gnomAD); In silico analysis supports that this missense variant does not alter protein structure/function; Has not been previously published as pathogenic or benign to our knowledge